The following is an entry in ClinVar:

ClinVar aggregate classification (germline): Likely pathogenic (1 of 4 stars; one submission).

Submission:

Labcorp Genetics (formerly Invitae), Labcorp
Classification: Likely pathogenic. Last evaluated: 2024-02-27. Review status: criteria provided, single submitter. Criteria: Invitae Variant Classification Sherloc (09022015). Collection method: clinical testing. Allele origin: germline.
Comment: This sequence change affects a donor splice site in intron 10 of the ADGRV1 gene. It is expected to disrupt RNA splicing. Variants that disrupt the donor or acceptor splice site typically lead to a loss of protein function (PMID: 16199547), and loss-of-function variants in ADGRV1 are known to be pathogenic (PMID: 19357117, 22135276, 22147658, 26226137, 30718709, 31047384, 32467589). This variant is not present in population databases (gnomAD no frequency). This variant has not been reported in the literature in individuals affected with ADGRV1-related conditions. Algorithms developed to predict the effect of sequence changes on RNA splicing suggest that this variant may disrupt the consensus splice site. In summary, the currently available evidence indicates that the variant is pathogenic, but additional data are needed to prove that conclusively. Therefore, this variant has been classified as Likely Pathogenic.

Literature cited by the submitters: PubMed 16199547; PubMed 19357117; PubMed 22135276; PubMed 22147658; PubMed 26226137; PubMed 30718709; PubMed 31047384; PubMed 32467589.

NM_032119.4(ADGRV1):c.2016+1G>T

Gene: ADGRV1 (adhesion G protein-coupled receptor V1; plus strand). Cytogenetic location: 5q14.3.
Variant type: single nucleotide variant.
Coding change: c.2016+1G>T on transcript NM_032119.4 (MANE Select); the canonical splice donor site of the intron after coding-DNA position 2016, G replaced by T.
Molecular consequence: splice donor variant.
Genome position (GRCh38, 1-based): chr5:90,635,291, G>T. VCF-style: chr5-90635291-G-T. GRCh37 (hg19) VCF-style: chr5-89931108-G-T.
Identifiers: ClinVar variation 3643487 (VCV003643487.2).